The following is an entry in ClinVar:

NM_017636.4(TRPM4):c.785C>T (p.Thr262Met)

Gene: TRPM4 (transient receptor potential cation channel subfamily M member 4; plus strand). Cytogenetic location: 19q13.33.
Variant type: single nucleotide variant.
Coding change: c.785C>T on transcript NM_017636.4 (MANE Select); coding-DNA position 785, C replaced by T.
Protein change: p.Thr262Met; replaces threonine 262 with methionine.
Molecular consequence: missense variant. On other transcripts: 5 prime UTR variant (2).
Genome position (GRCh38, 1-based): chr19:49,168,725, C>T. VCF-style: chr19-49168725-C-T. GRCh37 (hg19) VCF-style: chr19-49671982-C-T.
Other names: c.785C>T, p.Thr262Met (NM_001195227.2); c.440C>T, p.Thr147Met (NM_001321281.2); c.-769C>T (NM_001321282.2); c.263C>T, p.Thr88Met (NM_001321283.2); c.-65C>T (NM_001321285.2); short protein forms T88M, T262M, T147M.
Identifiers: ClinVar variation 1760914 (VCV001760914.4), dbSNP rs368765730, ClinGen allele CA9568939.

ClinVar aggregate classification (germline): Uncertain significance. Review status: criteria provided, multiple submitters, no conflicts (2 of 4 stars). 2 submissions from 2 submitters: Uncertain significance (2). Last evaluated 2025-12-09.

Conditions:
Cardiovascular phenotype. Identifiers: MedGen CN230736.
Progressive familial heart block type IB (PFHB1B). Identifiers: Orphanet 871, MedGen C1970298, MONDO:0011474, OMIM 604559.

Allele frequency attached by ClinVar (database versions not stated): gnomAD exomes 0.00001; ExAC 0.00004.
gnomAD v4.1: 11 of 1,590,672 alleles (0.00069%); highest among the groups gnomAD compares: Non-Finnish European, 0.00086%; no homozygotes.

Submissions (2):

Labcorp Genetics (formerly Invitae), Labcorp
Classification: Uncertain significance for Progressive familial heart block type IB. Last evaluated: 2025-12-09. Review status: criteria provided, single submitter. Criteria: Invitae Variant Classification Sherloc (09022015). Collection method: clinical testing. Allele origin: germline.
Comment: This sequence change replaces threonine, which is neutral and polar, with methionine, which is neutral and non-polar, at codon 262 of the TRPM4 protein (p.Thr262Met). The frequency data for this variant in the population databases is considered unreliable, as metrics indicate poor data quality at this position in the gnomAD database. This variant has not been reported in the literature in individuals affected with TRPM4-related conditions. ClinVar contains an entry for this variant (Variation ID: 1760914). An algorithm developed to predict the effect of missense changes on protein structure and function (PolyPhen-2) suggests that this variant is likely to be disruptive. In summary, the available evidence is currently insufficient to determine the role of this variant in disease. Therefore, it has been classified as a Variant of Uncertain Significance.

Ambry Genetics
Classification: Uncertain significance for Cardiovascular phenotype. Last evaluated: 2025-11-02. Review status: criteria provided, single submitter. Criteria: Ambry Variant Classification Scheme 2023. Collection method: clinical testing. Allele origin: germline.
Comment: The p.T262M variant (also known as c.785C>T), located in coding exon 6 of the TRPM4 gene, results from a C to T substitution at nucleotide position 785. The threonine at codon 262 is replaced by methionine, an amino acid with similar properties. This alteration has been reported in a case report with type 2 Brugada pattern seen on ECG, and an in vitro assay showed this alteration may impact protein function (Wang H et al. Clin Transl Med, 2022 02;12:e715). This amino acid position is well conserved in available vertebrate species. In addition, this alteration is predicted to be tolerated by in silico analysis. Since supporting evidence is limited at this time, the clinical significance of this alteration remains unclear.

Literature cited by the submitters: PubMed 35184407 (cited by Ambry Genetics).